The following is an entry in ClinVar:

ClinVar aggregate classification (germline): Pathogenic (1 of 4 stars; one submission).

Conditions:
Hereditary cancer-predisposing syndrome. Also called: Neoplastic Syndromes, Hereditary; Tumor predisposition; Hereditary Cancer Syndrome; Hereditary neoplastic syndrome. Identifiers: Orphanet 140162, MedGen C0027672, MeSH D009386, MONDO:0015356.

Submission:

Ambry Genetics
Classification: Pathogenic for Hereditary cancer-predisposing syndrome. Last evaluated: 2023-03-07. Review status: criteria provided, single submitter. Criteria: Ambry Variant Classification Scheme 2023. Collection method: clinical testing. Allele origin: germline.
Comment: The c.3849_3851delTACins10 variant, located in coding exon 9 of the MSH6 gene, results from the deletion of 3 nucleotides and insertion of 10 nucleotides causing a translational frameshift with a predicted alternate stop codon (p.T1284Gfs*3). This alteration is expected to result in loss of function by premature protein truncation or nonsense-mediated mRNA decay. As such, this alteration is interpreted as a disease-causing mutation.

NM_000179.3(MSH6):c.3849_3851delinsAGGAACGTAA (p.Thr1284delinsGlyThrTer)

Gene: MSH6 (mutS homolog 6; plus strand). Cytogenetic location: 2p16.3.
Variant type: Indel.
Coding change: c.3849_3851delinsAGGAACGTAA on transcript NM_000179.3 (MANE Select); coding-DNA positions 3849 to 3851, TAC replaced by AGGAACGTAA.
Protein change: p.Thr1284delinsGlyThrTer.
Molecular consequence: nonsense. On other transcripts: frameshift variant (37).
Genome position (GRCh38, 1-based): chr2:47,806,499-47,806,501, TAC replaced by AGGAACGTAA. VCF-style: chr2-47806499-TAC-AGGAACGTAA. GRCh37 (hg19) VCF-style: chr2-48033638-TAC-AGGAACGTAA.
Other names: c.3459_3461delinsAGGAACGTAA, p.Thr1154delinsGlyThrTer (NM_001281492.2); c.2943_2945delinsAGGAACGTAA, p.Thr982delinsGlyThrTer (NM_001281493.2, NM_001281494.2); c.3945_3947delTACinsAGGAACGTAA, p.Thr1316Glyfs (NM_001406795.1); c.3849_3851delTACinsAGGAACGTAA, p.Thr1284Glyfs (NM_001406796.1, NM_001406808.1, NM_001406809.1); c.3552_3554delTACinsAGGAACGTAA, p.Thr1185Glyfs (NM_001406797.1, NM_001406801.1, NM_001406805.1 and 10 more transcripts); c.3675_3677delTACinsAGGAACGTAA, p.Thr1226Glyfs (NM_001406798.1); c.3324_3326delTACinsAGGAACGTAA, p.Thr1109Glyfs (NM_001406799.1, NM_001406806.1, NM_001406807.1); c.3836_3838delTACinsAGGAACGTAA, p.Leu1279Terfs (NM_001406800.1); and 9 more.
Identifiers: ClinVar variation 1735483 (VCV001735483.3), dbSNP rs2530860472, ClinGen allele CA2580067400.